The following is an entry in ClinVar:

NM_052813.5(CARD9):c.869C>T (p.Ala290Val)

Gene: CARD9 (caspase recruitment domain family member 9; minus strand). Cytogenetic location: 9q34.3.
Variant type: single nucleotide variant.
Coding change: c.869C>T on transcript NM_052813.5 (MANE Select); coding-DNA position 869, C replaced by T.
Protein change: p.Ala290Val; replaces alanine 290 with valine.
Molecular consequence: missense variant.
Genome position (GRCh38, 1-based): chr9:136,370,376, G>A on the plus strand (C>T on the coding strand, the complement: CARD9 is on the minus strand). VCF-style: chr9-136370376-G-A. GRCh37 (hg19) VCF-style: chr9-139264828-G-A.
Other names: c.869C>T, p.Ala290Val (NM_052814.4); short protein forms A290V.
Identifiers: ClinVar variation 913236 (VCV000913236.14), dbSNP rs1442047796, ClinGen allele CA375544121.

ClinVar aggregate classification (germline): Uncertain significance. Review status: criteria provided, multiple submitters, no conflicts (2 of 4 stars). 2 submissions from 2 submitters: Uncertain significance (2). Last evaluated 2026-01-14.

Conditions:
Predisposition to invasive fungal disease due to CARD9 deficiency (IMD103). Also called: CARD9 IMMUNODEFICIENCY; IMMUNODEFICIENCY 103, SUSCEPTIBILITY TO FUNGAL INFECTIONS; Candidiasis, familial, 2, autosomal recessive. Identifiers: Orphanet 457088, MedGen C1859353, MONDO:0008905, OMIM 212050.

Allele frequency attached by ClinVar (database versions not stated): gnomAD exomes below 0.00001 and 0.00001; gnomAD 0.00001; TOPMed 0.00002.
gnomAD v4.1: 9 of 1,609,736 alleles (0.00056%); highest among the groups gnomAD compares: African/African-American, 0.0027%; no homozygotes.

Submissions (2):

Labcorp Genetics (formerly Invitae), Labcorp
Classification: Uncertain significance for Predisposition to invasive fungal disease due to CARD9 deficiency. Last evaluated: 2026-01-14. Review status: criteria provided, single submitter. Criteria: Invitae Variant Classification Sherloc (09022015). Collection method: clinical testing. Allele origin: germline.
Comment: This sequence change replaces alanine, which is neutral and non-polar, with valine, which is neutral and non-polar, at codon 290 of the CARD9 protein (p.Ala290Val). This variant is present in population databases (no rsID available, gnomAD 0.006%). This variant has not been reported in the literature in individuals affected with CARD9-related conditions. ClinVar contains an entry for this variant (Variation ID: 913236). Invitae Evidence Modeling of protein sequence and biophysical properties (such as structural, functional, and spatial information, amino acid conservation, physicochemical variation, residue mobility, and thermodynamic stability) indicates that this missense variant is not expected to disrupt CARD9 protein function with a negative predictive value of 80%. In summary, the available evidence is currently insufficient to determine the role of this variant in disease. Therefore, it has been classified as a Variant of Uncertain Significance.

Illumina Laboratory Services, Illumina
Classification: Uncertain significance for Predisposition to invasive fungal disease due to CARD9 deficiency. Last evaluated: 2018-01-13. Review status: criteria provided, single submitter. Criteria: ICSL Variant Classification Criteria 13 December 2019. Collection method: clinical testing. Allele origin: germline.